The following is an entry in ClinVar:

ClinVar aggregate classification (germline): Uncertain significance. Review status: criteria provided, multiple submitters, no conflicts (2 of 4 stars). 2 submissions from 2 submitters: Uncertain significance (2). Last evaluated 2025-11-17.

Conditions:
Ataxia-telangiectasia syndrome (AT). Also called: ATAXIA-TELANGIECTASIA, COMPLEMENTATION GROUP A; ATAXIA-TELANGIECTASIA, FRESNO VARIANT; Ataxia-telangiectasia; Ataxia-telangiectasia, complementation group E; LOUIS-BAR SYNDROME; Cerebello-oculocutaneous telangiectasia. Identifiers: Orphanet 100, MedGen C0004135, MONDO:0008840, OMIM 208900.
Hereditary cancer-predisposing syndrome. Also called: Tumor predisposition; Hereditary Cancer Syndrome; Hereditary neoplastic syndrome; Neoplastic Syndromes, Hereditary. Identifiers: Orphanet 140162, MedGen C0027672, MeSH D009386, MONDO:0015356.

Submissions (2):

Color Diagnostics, LLC DBA Color Health
Classification: Uncertain significance for Hereditary cancer-predisposing syndrome. Last evaluated: 2025-11-17. Review status: criteria provided, single submitter. Criteria: ACMG Guidelines, 2015. Collection method: clinical testing. Allele origin: germline.
Comment: This missense variant replaces threonine with alanine at codon 2438 of the ATM protein. Computational prediction suggests that this variant may not impact protein structure and function. To our knowledge, functional studies have not been reported for this variant. This variant has not been reported in individuals affected with ATM-related disorders in the literature. This variant has not been identified in the general population by the Genome Aggregation Database (gnomAD). The available evidence is insufficient to determine the role of this variant in disease conclusively. Therefore, this variant is classified as a Variant of Uncertain Significance.

Labcorp Genetics (formerly Invitae), Labcorp
Classification: Uncertain significance for Ataxia-telangiectasia syndrome. Last evaluated: 2024-01-17. Review status: criteria provided, single submitter. Criteria: Invitae Variant Classification Sherloc (09022015). Collection method: clinical testing. Allele origin: germline.
Comment: This sequence change replaces threonine, which is neutral and polar, with alanine, which is neutral and non-polar, at codon 2438 of the ATM protein (p.Thr2438Ala). This variant is not present in population databases (gnomAD no frequency). This variant has not been reported in the literature in individuals affected with ATM-related conditions. An algorithm developed to predict the effect of missense changes on protein structure and function (PolyPhen-2) suggests that this variant is likely to be disruptive. In summary, the available evidence is currently insufficient to determine the role of this variant in disease. Therefore, it has been classified as a Variant of Uncertain Significance.

NM_000051.4(ATM):c.7312A>G (p.Thr2438Ala)

Genes: ATM (ATM serine/threonine kinase; plus strand), C11orf65 (chromosome 11 open reading frame 65; minus strand). Cytogenetic location: 11q22.3.
Variant type: single nucleotide variant.
Coding change: c.7312A>G on transcript NM_000051.4 (MANE Select); coding-DNA position 7312, A replaced by G.
Protein change: p.Thr2438Ala; replaces threonine 2438 with alanine.
Molecular consequence: missense variant. On other transcripts: intron variant (2).
Genome position (GRCh38, 1-based): chr11:108,330,218, A>G. VCF-style: chr11-108330218-A-G. GRCh37 (hg19) VCF-style: chr11-108200945-A-G.
Other names: c.7312A>G, p.Thr2438Ala (NM_001351834.2); c.641-21147T>C (NM_001330368.2); c.*38+5002T>C (NM_001351110.2); short protein forms T2438A.
Identifiers: ClinVar variation 2970412 (VCV002970412.4), dbSNP rs1565529248, ClinGen allele CA382559868.
Genomic context (GRCh38, chr11:108,330,218, plus strand): 5'-TGTAGTTCTGTTAAAGTTCATGGCTTTTGTGTTTTACCTTAATTATTCTATGCAAGATAC[A>G]CAGTAAAGGTTCAGCGAGAGCTGGAGTTGGATGAATTAGCCCTGCGTGCACTGAAAGAGG-3'
Protein context (NP_000042.3, residues 2428-2448): REHKIQTNRY[Thr2438Ala]VKVQRELELD